The following is an entry in ClinVar:

NM_001146.5(ANGPT1):c.1064A>G (p.Tyr355Cys)

Gene: ANGPT1 (angiopoietin 1; minus strand). Cytogenetic location: 8q23.1.
Variant type: single nucleotide variant.
Coding change: c.1064A>G on transcript NM_001146.5 (MANE Select); coding-DNA position 1064, A replaced by G.
Protein change: p.Tyr355Cys; replaces tyrosine 355 with cysteine.
Molecular consequence: missense variant.
Genome position (GRCh38, 1-based): chr8:107,284,823, T>C on the plus strand (A>G on the coding strand, the complement: ANGPT1 is on the minus strand). VCF-style: chr8-107284823-T-C. GRCh37 (hg19) VCF-style: chr8-108297051-T-C.
Other names: c.1061A>G, p.Tyr354Cys (NM_001199859.3); c.464A>G, p.Tyr155Cys (NM_001314051.2); short protein forms Y354C, Y355C, Y155C.
Identifiers: ClinVar variation 1486018 (VCV001486018.8), dbSNP rs2130136796, ClinGen allele CA372032868.
Genomic context (GRCh38, chr8:107,284,823, plus strand): 5'-ATTCTTAGCATGTACTGCCTCTGACTGGTAATGGCAAAAATAAACTCATTCCCCAGCCAA[T>C]ATTCACCGGAGGGATTTCCAAAACCCTGGGAAACAATATAGAGATGCAGTTGTTACTTTA-3'
Protein context (NP_001137.2, residues 345-365): KMGFGNPSGE[Tyr355Cys]WLGNEFIFAI

ClinVar aggregate classification (germline): Uncertain significance (1 of 4 stars; one submission).

Allele frequency attached by ClinVar (database versions not stated): gnomAD exomes below 0.00001.
gnomAD v4.1: 3 of 1,603,010 alleles (0.00019%); highest among the groups gnomAD compares: Admixed American, 0.0017%; no homozygotes.

Submission:

Labcorp Genetics (formerly Invitae), Labcorp
Classification: Uncertain significance. Last evaluated: 2026-01-24. Review status: criteria provided, single submitter. Criteria: Invitae Variant Classification Sherloc (09022015). Collection method: clinical testing. Allele origin: germline.
Comment: This sequence change replaces tyrosine, which is neutral and polar, with cysteine, which is neutral and slightly polar, at codon 355 of the ANGPT1 protein (p.Tyr355Cys). This variant is not present in population databases (gnomAD no frequency). This variant has not been reported in the literature in individuals affected with ANGPT1-related conditions. ClinVar contains an entry for this variant (Variation ID: 1486018). An algorithm developed to predict the effect of missense changes on protein structure and function (PolyPhen-2) suggests that this variant is likely to be tolerated. In summary, the available evidence is currently insufficient to determine the role of this variant in disease. Therefore, it has been classified as a Variant of Uncertain Significance.